The following is an entry in ClinVar:

NM_014159.7(SETD2):c.3836G>C (p.Gly1279Ala)

Gene: SETD2 (SET domain containing 2, histone lysine methyltransferase; minus strand). Cytogenetic location: 3p21.31.
Variant type: single nucleotide variant.
Coding change: c.3836G>C on transcript NM_014159.7 (MANE Select); coding-DNA position 3836, G replaced by C.
Protein change: p.Gly1279Ala; replaces glycine 1279 with alanine.
Molecular consequence: missense variant. On other transcripts: non-coding transcript variant (1).
Genome position (GRCh38, 1-based): chr3:47,120,800, C>G on the plus strand (G>C on the coding strand, the complement: SETD2 is on the minus strand). VCF-style: chr3-47120800-C-G. GRCh37 (hg19) VCF-style: chr3-47162290-C-G.
Other names: c.3704G>C, p.Gly1235Ala (NM_001349370.3); short protein forms G1235A, G1279A.
Identifiers: ClinVar variation 1031800 (VCV001031800.1), dbSNP rs756174508, ClinGen allele CA352520990.
Genomic context (GRCh38, chr3:47,120,800, plus strand): 5'-TAATCACGTGTCCCACCATACTGTTCTGCATTTTGCTGATACTTGTGTCCACCACAAGCT[C>G]CATAGCTACTGTCAGGTTGCTGATACGTGGTAGAAGGCTTTTCTTGAGAGAAGTCCCAAC-3'
Protein context (NP_054878.5, residues 1269-1289): TTYQQPDSSY[Gly1279Ala]ACGGHKYQQN

ClinVar aggregate classification (germline): Uncertain significance (1 of 4 stars; one submission).

Conditions:
Luscan-Lumish syndrome. Identifiers: Orphanet 597738, MedGen C4085873, MONDO:0014791, OMIM 616831.

Allele frequency attached by ClinVar (database versions not stated): TOPMed 0.00002.

Submission:

Baylor Genetics
Classification: Uncertain significance for Luscan-Lumish syndrome. Last evaluated: 2018-07-31. Review status: criteria provided, single submitter. Criteria: ACMG Guidelines, 2015. Collection method: clinical testing. Allele origin: paternal. Affected: yes.
Comment: This variant was determined to be of uncertain significance according to ACMG Guidelines, 2015 [PMID:25741868].